The following is an entry in ClinVar:

ClinVar aggregate classification (germline): Uncertain significance. Review status: criteria provided, multiple submitters, no conflicts (2 of 4 stars). 2 submissions from 2 submitters: Uncertain significance (2). Last evaluated 2026-02-23.

Allele frequency attached by ClinVar (database versions not stated): TOPMed 0.00001.
gnomAD v4.1: 10 of 1,613,228 alleles (0.00062%); highest among the groups gnomAD compares: Middle Eastern, 0.05%; no homozygotes.

Submissions (2):

Ambry Genetics
Classification: Uncertain significance. Last evaluated: 2026-02-23. Review status: criteria provided, single submitter. Criteria: Ambry Variant Classification Scheme 2023. Collection method: clinical testing. Allele origin: germline.

GeneDx
Classification: Uncertain significance. Last evaluated: 2016-02-27. Review status: criteria provided, single submitter. Criteria: GeneDx Variant Classification (06012015). Collection method: clinical testing. Allele origin: germline. Affected: yes.
Comment: The V1497M variant in the CELSR1 gene has not been reported previously as a pathogenic variant, nor as a benign variant, to our knowledge. The V1497M variant was not observed in approximately 6,500 individuals of European and African American ancestry in the NHLBI Exome Sequencing Project, indicating it is not a common benign variant in these populations. The V1497M variant is a conservative amino acid substitution, which is not likely to impact secondary protein structure as these residues share similar properties. This substitution occurs at a position where amino acids with similar properties to Valine are tolerated across species. In silico analysis is inconsistent in its predictions as to whether or not the variant is damaging to the protein structure/function. We interpret V1497M as a variant of uncertain significance.

NM_001378328.1(CELSR1):c.4489G>A (p.Val1497Met)

Gene: CELSR1 (cadherin EGF LAG seven-pass G-type receptor 1; minus strand). Cytogenetic location: 22q13.31.
Variant type: single nucleotide variant.
Coding change: c.4489G>A on transcript NM_001378328.1 (MANE Select); coding-DNA position 4489, G replaced by A.
Protein change: p.Val1497Met; replaces valine 1497 with methionine.
Molecular consequence: missense variant.
Genome position (GRCh38, 1-based): chr22:46,436,207, C>T on the plus strand (G>A on the coding strand, the complement: CELSR1 is on the minus strand). VCF-style: chr22-46436207-C-T. GRCh37 (hg19) VCF-style: chr22-46832104-C-T.
Other names: c.4489G>A, p.Val1497Met (NM_014246.4); short protein forms V1497M.
Identifiers: ClinVar variation 420546 (VCV000420546.5), dbSNP rs780457386, ClinGen allele CA10294640.